The following is an entry in ClinVar:

NM_004444.5(EPHB4):c.1362G>C (p.Trp454Cys)

Gene: EPHB4 (EPH receptor B4; minus strand). Cytogenetic location: 7q22.1.
Variant type: single nucleotide variant.
Coding change: c.1362G>C on transcript NM_004444.5 (MANE Select); coding-DNA position 1362, G replaced by C.
Protein change: p.Trp454Cys; replaces tryptophan 454 with cysteine.
Molecular consequence: missense variant.
Genome position (GRCh38, 1-based): chr7:100,818,580, C>G on the plus strand (G>C on the coding strand, the complement: EPHB4 is on the minus strand). VCF-style: chr7-100818580-C-G. GRCh37 (hg19) VCF-style: chr7-100416202-C-G.
Other names: short protein forms W454C.
Identifiers: ClinVar variation 1699211 (VCV001699211.3), dbSNP rs2116447376, ClinGen allele CA368573675.

ClinVar aggregate classification (germline): Uncertain significance (1 of 4 stars; one submission).

Conditions:
Capillary malformation-arteriovenous malformation 2 (CMAVM2). Identifiers: Orphanet 693912, MedGen C4748670, MONDO:0020785, OMIM 618196.

Submission:

Victorian Clinical Genetics Services, Murdoch Childrens Research Institute
Classification: Uncertain significance for Capillary malformation-arteriovenous malformation 2. Last evaluated: 2023-07-17. Review status: criteria provided, single submitter. Criteria: ACMG Guidelines, 2015. Collection method: clinical testing. Allele origin: germline. Inheritance: Autosomal dominant inheritance. Affected: yes.
Comment: Based on the classification scheme VCGS_Germline_v1.3.4, this variant is classified as VUS-3A. Following criteria are met: 0102 - Loss of function is a known mechanism of disease in this gene and is associated with capillary malformation-arteriovenous malformation 2 (MIM#618196) and lymphatic malformation 7 (MIM#617300). (I) 0107 - This gene is associated with autosomal dominant disease. (I) 0115 - Variants in this gene are known to have variable expressivity (PMIDs: 29905864, 27400125, 30578106). (I) 0200 - Variant is predicted to result in a missense amino acid change from tryptophan to cysteine. (I) 0251 - This variant is heterozygous. (I) 0301 - Variant is absent from gnomAD (both v2 and v3). (SP) 0501 - Missense variant consistently predicted to be damaging by multiple in silico tools or highly conserved with a major amino acid change. (SP) 0600 - Variant is located in the annotated fibronectin type III domain (DECIPHER). (I) 0705 - No comparable missense variants have previous evidence for pathogenicity. (I) 0807 - This variant has no previous evidence of pathogenicity. (I) 0905 - No published segregation evidence has been identified for this variant. (I) 1007 - No published functional evidence has been identified for this variant. (I) Legend: (SP) - Supporting pathogenic, (I) - Information, (SB) - Supporting benign

Literature cited by the submitters: PubMed 27400125; PubMed 29905864; PubMed 30578106.